The following is an entry in ClinVar:

ClinVar aggregate classification (germline): Uncertain significance. Review status: criteria provided, multiple submitters, no conflicts (2 of 4 stars). 2 submissions from 2 submitters: Uncertain significance (2). Last evaluated 2025-02-24.

Conditions:
Aicardi-Goutieres syndrome 4. Identifiers: Orphanet 51, MedGen C1835912, MONDO:0012472, OMIM 610333.

Allele frequency attached by ClinVar (database versions not stated): gnomAD exomes below 0.00001; ExAC 0.00001; gnomAD 0.00001; TOPMed 0.00001.
gnomAD v4.1: 5 of 1,614,058 alleles (0.00031%); highest among the groups gnomAD compares: Non-Finnish European, 0.00034%; no homozygotes.

Submissions (2):

Labcorp Genetics (formerly Invitae), Labcorp
Classification: Uncertain significance for Aicardi-Goutieres syndrome 4. Last evaluated: 2025-02-24. Review status: criteria provided, single submitter. Criteria: Invitae Variant Classification Sherloc (09022015). Collection method: clinical testing. Allele origin: germline.
Comment: This sequence change replaces lysine, which is basic and polar, with arginine, which is basic and polar, at codon 191 of the RNASEH2A protein (p.Lys191Arg). This variant is present in population databases (rs748699424, gnomAD 0.0009%). This variant has not been reported in the literature in individuals affected with RNASEH2A-related conditions. ClinVar contains an entry for this variant (Variation ID: 891292). Invitae Evidence Modeling of protein sequence and biophysical properties (such as structural, functional, and spatial information, amino acid conservation, physicochemical variation, residue mobility, and thermodynamic stability) indicates that this missense variant is not expected to disrupt RNASEH2A protein function with a negative predictive value of 80%. In summary, the available evidence is currently insufficient to determine the role of this variant in disease. Therefore, it has been classified as a Variant of Uncertain Significance.

Illumina Laboratory Services, Illumina
Classification: Uncertain significance for Aicardi-Goutieres syndrome 4. Last evaluated: 2018-01-13. Review status: criteria provided, single submitter. Criteria: ICSL Variant Classification Criteria 13 December 2019. Collection method: clinical testing. Allele origin: germline.

NM_006397.3(RNASEH2A):c.572A>G (p.Lys191Arg)

Gene: RNASEH2A (ribonuclease H2 subunit A; plus strand). Cytogenetic location: 19p13.13.
Variant type: single nucleotide variant.
Coding change: c.572A>G on transcript NM_006397.3 (MANE Select); coding-DNA position 572, A replaced by G.
Protein change: p.Lys191Arg; replaces lysine 191 with arginine.
Molecular consequence: missense variant.
Genome position (GRCh38, 1-based): chr19:12,810,339, A>G. VCF-style: chr19-12810339-A-G. GRCh37 (hg19) VCF-style: chr19-12921153-A-G.
Other names: short protein forms K191R.
Identifiers: ClinVar variation 891292 (VCV000891292.8), dbSNP rs748699424, ClinGen allele CA9231961.
Genomic context (GRCh38, chr19:12,810,339, plus strand): 5'-GGAAGGAGGGAGATTCCAGGTGCCTGTTTTGCCCACAGGTGGCCCGGGACCAGGCCGTGA[A>G]GAAATGGCAGTTCGTGGAGAAACTGCAGGACTTGGATACTGATTATGGCTCAGGCTACCC-3'
Protein context (NP_006388.2, residues 181-201): CAKVARDQAV[Lys191Arg]KWQFVEKLQD